The following is an entry in ClinVar:

ClinVar aggregate classification (germline): Likely benign. Review status: criteria provided, multiple submitters, no conflicts (2 of 4 stars). 3 submissions from 3 submitters: Likely benign (3). Last evaluated 2026-08-01.

Conditions:
Inborn genetic diseases. Identifiers: MedGen C0950123, MeSH D030342.

Allele frequency attached by ClinVar (database versions not stated): 1000 Genomes Project 0.00040; 1000 Genomes Project 30x 0.00047; ExAC 0.00051; gnomAD exomes 0.00052 and 0.00107; gnomAD 0.00065; TOPMed 0.00072; ESP Exome Variant Server 0.00108.
gnomAD v4.1: 1,644 of 1,614,198 alleles (0.1%); highest among the groups gnomAD compares: Non-Finnish European, 0.13%; no homozygotes.

Submissions (3):

CeGaT Center for Human Genetics Tuebingen
Classification: Likely benign. Last evaluated: 2026-08-01. Review status: criteria provided, single submitter. Criteria: CeGaT Center For Human Genetics Tuebingen Variant Classification Criteria Version 2. Collection method: clinical testing. Allele origin: germline. Affected: yes. Observed: 4 variant alleles.
Comment: HIVEP2: BS1

Labcorp Genetics (formerly Invitae), Labcorp
Classification: Likely benign. Last evaluated: 2025-12-01. Review status: criteria provided, single submitter. Criteria: Invitae Variant Classification Sherloc (09022015). Collection method: clinical testing. Allele origin: germline.

Ambry Genetics
Classification: Likely benign for Inborn genetic diseases. Last evaluated: 2021-07-22. Review status: criteria provided, single submitter. Criteria: Ambry Variant Classification Scheme 2023. Collection method: clinical testing. Allele origin: germline.

NM_006734.4(HIVEP2):c.5968T>C (p.Cys1990Arg)

Gene: HIVEP2 (HIVEP zinc finger 2; minus strand). Cytogenetic location: 6q24.2.
Variant type: single nucleotide variant.
Coding change: c.5968T>C on transcript NM_006734.4 (MANE Select); coding-DNA position 5968, T replaced by C.
Protein change: p.Cys1990Arg; replaces cysteine 1990 with arginine.
Molecular consequence: missense variant.
Genome position (GRCh38, 1-based): chr6:142,760,320, A>G on the plus strand (T>C on the coding strand, the complement: HIVEP2 is on the minus strand). VCF-style: chr6-142760320-A-G. GRCh37 (hg19) VCF-style: chr6-143081457-A-G.
Other names: short protein forms C1990R.
Identifiers: ClinVar variation 709972 (VCV000709972.32), dbSNP rs186682558, ClinGen allele CA4027763.